The following is an entry in ClinVar:

ClinVar aggregate classification (germline): Uncertain significance (1 of 4 stars; one submission).

Submission:

GeneDx
Classification: Uncertain significance. Last evaluated: 2024-08-29. Review status: criteria provided, single submitter. Criteria: GeneDx Variant Classification Process June 2021. Collection method: clinical testing. Allele origin: germline. Affected: yes.
Comment: Not observed at significant frequency in large population cohorts (gnomAD); In silico analysis supports that this missense variant has a deleterious effect on protein structure/function; Has not been previously published as pathogenic or benign to our knowledge

NM_001375524.1(TRRAP):c.10438C>T (p.Arg3480Trp)

Gene: TRRAP (transformation/transcription domain associated protein; plus strand). Cytogenetic location: 7q22.1.
Variant type: single nucleotide variant.
Coding change: c.10438C>T on transcript NM_001375524.1 (MANE Select); coding-DNA position 10438, C replaced by T.
Protein change: p.Arg3480Trp; replaces arginine 3480 with tryptophan.
Molecular consequence: missense variant.
Genome position (GRCh38, 1-based): chr7:99,004,318, C>T. VCF-style: chr7-99004318-C-T. GRCh37 (hg19) VCF-style: chr7-98601941-C-T.
Other names: c.10396C>T, p.Arg3466Trp (NM_001244580.2); c.10309C>T, p.Arg3437Trp (NM_003496.4); short protein forms R3437W, R3466W, R3480W.
Identifiers: ClinVar variation 3766082 (VCV003766082.1).